The following is an entry in ClinVar:

NM_014795.4(ZEB2):c.1209del (p.Met404fs)

Gene: ZEB2 (zinc finger E-box binding homeobox 2; minus strand). Cytogenetic location: 2q22.3.
Variant type: Deletion.
Coding change: c.1209del on transcript NM_014795.4 (MANE Select); coding-DNA position 1209, one base deleted (T; older notation c.1209delT).
Protein change: p.Met404fs; shifts the reading frame from methionine 404.
Molecular consequence: frameshift variant.
Genome position (GRCh38, 1-based): chr2:144,399,978, A deleted on the plus strand (T on the coding strand, the reverse complement: ZEB2 is on the minus strand); the first of 2 consecutive A bases (chr2:144,399,978-144,399,979); deleting either gives the same sequence. VCF-style (leftmost placement, unchanged base first): chr2-144399977-TA-T. GRCh37 (hg19) VCF-style: chr2-145157544-TA-T.
Other names: c.1137del, p.Met380fs (NM_001171653.2); short protein forms M380fs, M404fs.
Identifiers: ClinVar variation 1320108 (VCV001320108.1), dbSNP rs2149877416, ClinGen allele CA2573051659.

ClinVar aggregate classification (germline): Pathogenic (1 of 4 stars; one submission).

Conditions:
Mowat-Wilson syndrome (MOWS). Also called: Classic Mowat-Wilson Syndrome. Identifiers: Orphanet 2152, MedGen C1856113, MONDO:0009341, OMIM 235730.

Submission:

3billion
Classification: Pathogenic for Mowat-Wilson syndrome. Last evaluated: 2021-10-02. Review status: criteria provided, single submitter. Criteria: ACMG Guidelines, 2015. Collection method: clinical testing. Allele origin: germline. Affected: yes. Observed: 1 heterozygote.
Comment: Frameshift: predicted to result in a loss or disruption of normal protein function through nonsense-mediated decay (NMD) or protein truncation. Multiple pathogenic variants are reported downstream of the variant (PVS1_VS). The variant was observed as assumed (i.e. paternity and maternity not confirmed) de novoo (3billion dataset, PM6). It is not observed in the gnomAD v2.1.1 dataset (PM2). Therefore, this variant is classified as pathogenic according to the recommendation of ACMG/AMP guideline.